The following is an entry in ClinVar:

ClinVar aggregate classification (germline): Uncertain significance. Review status: criteria provided, multiple submitters, no conflicts (2 of 4 stars). 2 submissions from 2 submitters: Uncertain significance (2). Last evaluated 2025-02-26.

Conditions:
Inborn genetic diseases. Identifiers: MedGen C0950123, MeSH D030342.

Allele frequency attached by ClinVar (database versions not stated): gnomAD exomes below 0.00001; TOPMed 0.00001.
gnomAD v4.1: 7 of 1,613,316 alleles (0.00043%); highest among the groups gnomAD compares: East Asian, 0.0045%; no homozygotes.

Submissions (2):

Labcorp Genetics (formerly Invitae), Labcorp
Classification: Uncertain significance. Last evaluated: 2025-02-26. Review status: criteria provided, single submitter. Criteria: Invitae Variant Classification Sherloc (09022015). Collection method: clinical testing. Allele origin: germline.
Comment: This sequence change replaces arginine, which is basic and polar, with cysteine, which is neutral and slightly polar, at codon 1031 of the SON protein (p.Arg1031Cys). This variant is present in population databases (no rsID available, gnomAD 0.006%). This variant has not been reported in the literature in individuals affected with SON-related conditions. ClinVar contains an entry for this variant (Variation ID: 2237063). An algorithm developed to predict the effect of missense changes on protein structure and function (PolyPhen-2) suggests that this variant is likely to be disruptive. In summary, the available evidence is currently insufficient to determine the role of this variant in disease. Therefore, it has been classified as a Variant of Uncertain Significance.

Ambry Genetics
Classification: Uncertain significance for Inborn genetic diseases. Last evaluated: 2021-07-14. Review status: criteria provided, single submitter. Criteria: Ambry Variant Classification Scheme 2023. Collection method: clinical testing. Allele origin: germline.

NM_138927.4(SON):c.3091C>T (p.Arg1031Cys)

Gene: SON (SON DNA and RNA binding protein; plus strand). Cytogenetic location: 21q22.11.
Variant type: single nucleotide variant.
Coding change: c.3091C>T on transcript NM_138927.4 (MANE Select); coding-DNA position 3091, C replaced by T.
Protein change: p.Arg1031Cys; replaces arginine 1031 with cysteine.
Molecular consequence: missense variant. On other transcripts: non-coding transcript variant (1), intron variant (1).
Genome position (GRCh38, 1-based): chr21:33,552,322, C>T. VCF-style: chr21-33552322-C-T. GRCh37 (hg19) VCF-style: chr21-34924628-C-T.
Other names: c.3091C>T, p.Arg1031Cys (NM_001291411.2, NM_001412133.1, NM_032195.3 and 2 more transcripts); c.245-4834C>T (NM_001291412.3); short protein forms R1031C.
Identifiers: ClinVar variation 2237063 (VCV002237063.3), dbSNP rs1452570324, ClinGen allele CA410159438.